The following is an entry in ClinVar:

NM_000836.4(GRIN2D):c.3278C>T (p.Pro1093Leu)

Gene: GRIN2D (glutamate ionotropic receptor NMDA type subunit 2D; plus strand). Cytogenetic location: 19q13.33.
Variant type: single nucleotide variant.
Coding change: c.3278C>T on transcript NM_000836.4 (MANE Select); coding-DNA position 3278, C replaced by T.
Protein change: p.Pro1093Leu; replaces proline 1093 with leucine.
Molecular consequence: missense variant.
Genome position (GRCh38, 1-based): chr19:48,443,204, C>T. VCF-style: chr19-48443204-C-T. GRCh37 (hg19) VCF-style: chr19-48946461-C-T.
Other names: short protein forms P1093L.
Identifiers: ClinVar variation 1499718 (VCV001499718.8), dbSNP rs1971328194, ClinGen allele CA406675328.

ClinVar aggregate classification (germline): Uncertain significance (1 of 4 stars; one submission).

Allele frequency attached by ClinVar (database versions not stated): gnomAD 0.00002.
gnomAD v4.1: 11 of 1,227,346 alleles (0.0009%); highest among the groups gnomAD compares: African/African-American, 0.0016%; no homozygotes.

Submission:

Labcorp Genetics (formerly Invitae), Labcorp
Classification: Uncertain significance. Last evaluated: 2025-11-25. Review status: criteria provided, single submitter. Criteria: Invitae Variant Classification Sherloc (09022015). Collection method: clinical testing. Allele origin: germline.
Comment: This sequence change replaces proline, which is neutral and non-polar, with leucine, which is neutral and non-polar, at codon 1093 of the GRIN2D protein (p.Pro1093Leu). The frequency data for this variant in the population databases is considered unreliable, as metrics indicate insufficient coverage at this position in the gnomAD database. This variant has not been reported in the literature in individuals affected with GRIN2D-related conditions. ClinVar contains an entry for this variant (Variation ID: 1499718). Invitae Evidence Modeling of protein sequence and biophysical properties (such as structural, functional, and spatial information, amino acid conservation, physicochemical variation, residue mobility, and thermodynamic stability) indicates that this missense variant is not expected to disrupt GRIN2D protein function with a negative predictive value of 95%. In summary, the available evidence is currently insufficient to determine the role of this variant in disease. Therefore, it has been classified as a Variant of Uncertain Significance.